The following is an entry in ClinVar:

NM_014458.4(KLHL20):c.1355G>A (p.Gly452Asp)

Gene: KLHL20 (kelch like family member 20; plus strand). Cytogenetic location: 1q25.1.
Variant type: single nucleotide variant.
Coding change: c.1355G>A on transcript NM_014458.4 (MANE Select); coding-DNA position 1355, G replaced by A.
Protein change: p.Gly452Asp; replaces glycine 452 with aspartic acid.
Molecular consequence: missense variant.
Genome position (GRCh38, 1-based): chr1:173,774,364, G>A. VCF-style: chr1-173774364-G-A. GRCh37 (hg19) VCF-style: chr1-173743503-G-A.
Other names: short protein forms G452D.
Identifiers: ClinVar variation 1722859 (VCV001722859.2), dbSNP rs2525538388, ClinGen allele CA343811244.

ClinVar aggregate classification (germline): Uncertain significance (1 of 4 stars; one submission).

Submission:

GeneDx
Classification: Uncertain significance. Last evaluated: 2022-05-05. Review status: criteria provided, single submitter. Criteria: GeneDx Variant Classification Process June 2021. Collection method: clinical testing. Allele origin: germline. Affected: yes.
Comment: Has not been previously published as pathogenic or benign to our knowledge; Not observed at significant frequency in large population cohorts (gnomAD); In silico analysis supports that this missense variant has a deleterious effect on protein structure/function; Variants in candidate genes are classified as variants of uncertain significance in accordance with ACMG guidelines (Richards et al., 2015)